The following is an entry in ClinVar:

NM_001999.4(FBN2):c.4551C>T (p.Cys1517=)

Gene: FBN2 (fibrillin 2; minus strand). Cytogenetic location: 5q23.3.
Variant type: single nucleotide variant.
Coding change: c.4551C>T on transcript NM_001999.4 (MANE Select); coding-DNA position 4551, C replaced by T.
Protein change: p.Cys1517=; no amino-acid change (cysteine 1517 retained).
Molecular consequence: synonymous variant.
Genome position (GRCh38, 1-based): chr5:128,318,922, G>A on the plus strand (C>T on the coding strand, the complement: FBN2 is on the minus strand). VCF-style: chr5-128318922-G-A. GRCh37 (hg19) VCF-style: chr5-127654614-G-A.
Other names: p.C1517C:TGC>TGT.
Identifiers: ClinVar variation 137332 (VCV000137332.12), dbSNP rs144018137, ClinGen allele CA290873.

ClinVar aggregate classification (germline): Benign/Likely benign. Review status: criteria provided, multiple submitters, no conflicts (2 of 4 stars). 3 submissions from 3 submitters: Benign (1); Likely benign (2). Last evaluated 2025-12-09.

Conditions:
Familial thoracic aortic aneurysm and aortic dissection (TAAD). Also called: Thoracic aortic aneurysms and dissections. Identifiers: Orphanet 91387, MedGen C4707243, MONDO:0019625.
Congenital contractural arachnodactyly (CCA). Also called: BEALS SYNDROME; Beals-Hecht syndrome; Arthrogryposis, distal, type 9. Identifiers: Orphanet 115, MedGen C0220668, MONDO:0007363, OMIM 121050.

Allele frequency attached by ClinVar (database versions not stated): gnomAD 0.00003; TOPMed 0.00004; ExAC 0.00005; gnomAD exomes 0.00005 and 0.00007; ESP Exome Variant Server 0.00008.
gnomAD v4.1: 79 of 1,612,412 alleles (0.0049%); highest among the groups gnomAD compares: Non-Finnish European, 0.0024%; no homozygotes.

Submissions (3):

Labcorp Genetics (formerly Invitae), Labcorp
Classification: Likely benign for Congenital contractural arachnodactyly. Last evaluated: 2025-12-09. Review status: criteria provided, single submitter. Criteria: Invitae Variant Classification Sherloc (09022015). Collection method: clinical testing. Allele origin: germline.

Ambry Genetics
Classification: Likely benign for Familial thoracic aortic aneurysm and aortic dissection. Last evaluated: 2019-11-26. Review status: criteria provided, single submitter. Criteria: Ambry Variant Classification Scheme 2023. Collection method: clinical testing. Allele origin: germline.

GeneDx
Classification: Benign. Last evaluated: 2013-11-08. Review status: criteria provided, single submitter. Criteria: GeneDx Variant Classification (06012015). Collection method: clinical testing. Allele origin: germline. Affected: yes.
Comment: This variant is considered likely benign or benign based on one or more of the following criteria: it is a conservative change, it occurs at a poorly conserved position in the protein, it is predicted to be benign by multiple in silico algorithms, and/or has population frequency not consistent with disease.